The following is an entry in ClinVar:

NM_003907.3(EIF2B5):c.59G>A (p.Ser20Asn)

Gene: EIF2B5 (eukaryotic translation initiation factor 2B subunit epsilon; plus strand). Cytogenetic location: 3q27.1.
Variant type: single nucleotide variant.
Coding change: c.59G>A on transcript NM_003907.3 (MANE Select); coding-DNA position 59, G replaced by A.
Protein change: p.Ser20Asn; replaces serine 20 with asparagine.
Molecular consequence: missense variant.
Genome position (GRCh38, 1-based): chr3:184,135,444, G>A. VCF-style: chr3-184135444-G-A. GRCh37 (hg19) VCF-style: chr3-183853232-G-A.
Other names: short protein forms S20N.
Identifiers: ClinVar variation 2092314 (VCV002092314.4), dbSNP rs2473657404, ClinGen allele CA355381143.

ClinVar aggregate classification (germline): Uncertain significance (1 of 4 stars; one submission).

Allele frequency attached by ClinVar (database versions not stated): gnomAD exomes below 0.00001.

Submission:

Labcorp Genetics (formerly Invitae), Labcorp
Classification: Uncertain significance. Last evaluated: 2022-06-13. Review status: criteria provided, single submitter. Criteria: Invitae Variant Classification Sherloc (09022015). Collection method: clinical testing. Allele origin: germline.
Comment: In summary, the available evidence is currently insufficient to determine the role of this variant in disease. Therefore, it has been classified as a Variant of Uncertain Significance. Algorithms developed to predict the effect of missense changes on protein structure and function are either unavailable or do not agree on the potential impact of this missense change (SIFT: "Deleterious"; PolyPhen-2: "Not Available"; Align-GVGD: "Class C0"). This variant has not been reported in the literature in individuals affected with EIF2B5-related conditions. This variant is not present in population databases (gnomAD no frequency). This sequence change replaces serine, which is neutral and polar, with asparagine, which is neutral and polar, at codon 20 of the EIF2B5 protein (p.Ser20Asn).